The following is an entry in ClinVar:

ClinVar aggregate classification (germline): Uncertain significance (1 of 4 stars; one submission).

Submission:

Ambry Genetics
Classification: Uncertain significance. Last evaluated: 2025-01-11. Review status: criteria provided, single submitter. Criteria: Ambry Variant Classification Scheme 2023. Collection method: clinical testing. Allele origin: germline.
Comment: The p.L394F variant (also known as c.1180C>T), located in coding exon 6 of the GALNT12 gene, results from a C to T substitution at nucleotide position 1180. The leucine at codon 394 is replaced by phenylalanine, an amino acid with highly similar properties. This amino acid position is conserved. In addition, this alteration is predicted to be tolerated by in silico analysis. Based on the available evidence, the clinical significance of this variant remains unclear.

NM_024642.5(GALNT12):c.1180C>T (p.Leu394Phe)

Gene: GALNT12 (polypeptide N-acetylgalactosaminyltransferase 12; plus strand). Cytogenetic location: 9q22.33.
Variant type: single nucleotide variant.
Coding change: c.1180C>T on transcript NM_024642.5 (MANE Select); coding-DNA position 1180, C replaced by T.
Protein change: p.Leu394Phe; replaces leucine 394 with phenylalanine.
Molecular consequence: missense variant.
Genome position (GRCh38, 1-based): chr9:98,837,116, C>T. VCF-style: chr9-98837116-C-T. GRCh37 (hg19) VCF-style: chr9-101599398-C-T.
Other names: short protein forms L394F.
Identifiers: ClinVar variation 3852654 (VCV003852654.1).